The following is an entry in ClinVar:

NM_007129.5(ZIC2):c.1338G>T (p.Glu446Asp)

Gene: ZIC2 (Zic family zinc finger 2; plus strand). Cytogenetic location: 13q32.3.
Variant type: single nucleotide variant.
Coding change: c.1338G>T on transcript NM_007129.5 (MANE Select); coding-DNA position 1338, G replaced by T.
Protein change: p.Glu446Asp; replaces glutamic acid 446 with aspartic acid.
Molecular consequence: missense variant.
Genome position (GRCh38, 1-based): chr13:99,985,421, G>T. VCF-style: chr13-99985421-G-T. GRCh37 (hg19) VCF-style: chr13-100637675-G-T.
Other names: short protein forms E446D.
Identifiers: ClinVar variation 1431514 (VCV001431514.6), dbSNP rs754212151, ClinGen allele CA7032965.

ClinVar aggregate classification (germline): Uncertain significance (1 of 4 stars; one submission).

Conditions:
Holoprosencephaly 5 (HPE5). Identifiers: Orphanet 2162, MedGen C1864827, MONDO:0012322, OMIM 609637.

Allele frequency attached by ClinVar (database versions not stated): ExAC 0.00001; gnomAD 0.00001.

Submission:

Labcorp Genetics (formerly Invitae), Labcorp
Classification: Uncertain significance for Holoprosencephaly 5. Last evaluated: 2021-08-10. Review status: criteria provided, single submitter. Criteria: Invitae Variant Classification Sherloc (09022015). Collection method: clinical testing. Allele origin: germline.
Comment: In summary, the available evidence is currently insufficient to determine the role of this variant in disease. Therefore, it has been classified as a Variant of Uncertain Significance. Algorithms developed to predict the effect of missense changes on protein structure and function are either unavailable or do not agree on the potential impact of this missense change (SIFT: "Deleterious"; PolyPhen-2: "Possibly Damaging"; Align-GVGD: "Class C0"). This variant has not been reported in the literature in individuals affected with ZIC2-related conditions. The frequency data for this variant in the population databases is considered unreliable, as metrics indicate poor data quality at this position in the ExAC database. This sequence change replaces glutamic acid with aspartic acid at codon 446 of the ZIC2 protein (p.Glu446Asp). The glutamic acid residue is highly conserved and there is a small physicochemical difference between glutamic acid and aspartic acid.